The following is an entry in ClinVar:

ClinVar aggregate classification (germline): Likely pathogenic (1 of 4 stars; one submission).

Conditions:
Joubert syndrome 14 (JBTS14). Identifiers: MedGen C3280766, MONDO:0013745, OMIM 614424.

Submission:

Broad Center for Mendelian Genomics, Broad Institute of MIT and Harvard
Classification: Likely pathogenic for Joubert syndrome 14. Last evaluated: 2018-06-15. Review status: criteria provided, single submitter. Criteria: ACMG Guidelines, 2015. Collection method: research. Allele origin: germline. Inheritance: Autosomal recessive inheritance. Affected: yes.
Comment: This variant was absent from large population studies. The c.80-2A>G variant occurs in the invariant region (+/- 1/2) of the splice consensus sequence and is predicted to cause altered splicing leading to an abnormal or absent protein. Loss of function of the TMEM237 gene is an established disease mechanism in autosomal recessive Joubert syndrome, and this is a loss of function variant. In summary, although additional studies are required to fully establish its clinical significance, this variant is likely pathogenic.

NM_001044385.3(TMEM237):c.80-2A>G

Gene: TMEM237 (transmembrane protein 237; minus strand). Cytogenetic location: 2q33.1.
Variant type: single nucleotide variant.
Coding change: c.80-2A>G on transcript NM_001044385.3 (MANE Select); the canonical splice acceptor site of the intron before coding-DNA position 80, A replaced by G.
Molecular consequence: splice acceptor variant.
Genome position (GRCh38, 1-based): chr2:201,639,047, T>C on the plus strand (A>G on the coding strand, the complement: TMEM237 is on the minus strand). VCF-style: chr2-201639047-T-C. GRCh37 (hg19) VCF-style: chr2-202503770-T-C.
Other names: c.56-2A>G (NM_152388.4).
Identifiers: ClinVar variation 635032 (VCV000635032.1), dbSNP rs1445957469, ClinGen allele CA350316296.